The following is an entry in ClinVar:

NM_020822.3(KCNT1):c.-27C>T

Gene: KCNT1 (potassium sodium-activated channel subfamily T member 1; plus strand). Cytogenetic location: 9q34.3.
Variant type: single nucleotide variant.
Coding change: c.-27C>T on transcript NM_020822.3 (MANE Select); 27 bases upstream of the start codon, C replaced by T.
Molecular consequence: 5 prime UTR variant.
Genome position (GRCh38, 1-based): chr9:135,702,232, C>T. VCF-style: chr9-135702232-C-T. GRCh37 (hg19) VCF-style: chr9-138594078-C-T.
Other names: c.-27C>T (NM_001272003.2).
Identifiers: ClinVar variation 387653 (VCV000387653.1), dbSNP rs550838618, ClinGen allele CA5326206.

ClinVar aggregate classification (germline): Likely benign (1 of 4 stars; one submission).

Allele frequency attached by ClinVar (database versions not stated): gnomAD 0.00001.
gnomAD v4.1: 9 of 1,553,044 alleles (0.00058%); highest among the groups gnomAD compares: Middle Eastern, 0.017%; no homozygotes.

Submission:

GeneDx
Classification: Likely benign. Last evaluated: 2016-07-21. Review status: criteria provided, single submitter. Criteria: GeneDx Variant Classification (06012015). Collection method: clinical testing. Allele origin: germline. Affected: yes.
Comment: This variant is considered likely benign or benign based on one or more of the following criteria: it is a conservative change, it occurs at a poorly conserved position in the protein, it is predicted to be benign by multiple in silico algorithms, and/or has population frequency not consistent with disease.